The following is an entry in ClinVar:

ClinVar aggregate classification (germline): Uncertain significance. Review status: criteria provided, multiple submitters, no conflicts (2 of 4 stars). 2 submissions from 2 submitters: Uncertain significance (2). Last evaluated 2026-06-25.

Conditions:
DSP-related disorder. Also called: DSP-related disorders; DSP-related condition.
Cardiomyopathy (CMYO). Also called: Cardiomyopathies. Identifiers: Orphanet 167848, MedGen C0878544, MONDO:0004994, HP:0001638. Inheritance: Various modes of inheritance.

gnomAD v4.1: 2 of 1,613,912 alleles (0.00012%); highest among the groups gnomAD compares: South Asian, 0.0022%; no homozygotes.

Submissions (2):

PreventionGenetics, part of Exact Sciences
Classification: Uncertain significance for DSP-related condition. Last evaluated: 2026-06-25. Review status: criteria provided, single submitter. Criteria: ACMG Guidelines, 2015. Collection method: clinical testing. Allele origin: germline.
Comment: The DSP c.4470C>G variant is predicted to result in the amino acid substitution p.Ile1490Met. To our knowledge, this variant has not been reported in the literature or in a large population database (gnomAD), indicating this variant is rare. At this time, the clinical significance of this variant is uncertain due to the absence of conclusive functional and genetic evidence.

Color Diagnostics, LLC DBA Color Health
Classification: Uncertain significance for Cardiomyopathy. Last evaluated: 2025-09-01. Review status: criteria provided, single submitter. Criteria: ACMG Guidelines, 2015. Collection method: clinical testing. Allele origin: germline.
Comment: This missense variant replaces isoleucine with methionine at codon 1490 of the DSP protein. Computational prediction suggests that this variant may not impact protein structure and function. To our knowledge, functional studies have not been reported for this variant. This variant has not been reported in individuals affected with DSP-related disorders in the literature. This variant has not been identified in the general population by the Genome Aggregation Database (gnomAD). The available evidence is insufficient to determine the role of this variant in disease conclusively. Therefore, this variant is classified as a Variant of Uncertain Significance.

NM_004415.4(DSP):c.4470C>G (p.Ile1490Met)

Gene: DSP (desmoplakin; plus strand). Cytogenetic location: 6p24.3.
Variant type: single nucleotide variant.
Coding change: c.4470C>G on transcript NM_004415.4 (MANE Select); coding-DNA position 4470, C replaced by G.
Protein change: p.Ile1490Met; replaces isoleucine 1490 with methionine.
Molecular consequence: missense variant. On other transcripts: intron variant (2).
Genome position (GRCh38, 1-based): chr6:7,580,660, C>G. VCF-style: chr6-7580660-C-G. GRCh37 (hg19) VCF-style: chr6-7580893-C-G.
Other names: c.4050+420C>G (NM_001319034.2); c.3582+888C>G (NM_001008844.3); c.4470C>G (NM_004415.3); short protein forms I1490M.
Identifiers: ClinVar variation 4756220 (VCV004756220.2).
Genomic context (GRCh38, chr6:7,580,660, plus strand): 5'-TGATGCTGCCAAAACCATCCAGGATAAAAACAAGGAGATAGAAAGGTTAAAACAACTGAT[C>G]GACAAAGAAACAAATGACCGGAAATGCCTGGAAGATGAAAACGCGAGATTACAAAGGGTC-3'
Protein context (NP_004406.2, residues 1480-1500): NKEIERLKQL[Ile1490Met]DKETNDRKCL